The following is an entry in ClinVar:

ClinVar aggregate classification (germline): Likely benign. Review status: criteria provided, multiple submitters, no conflicts (2 of 4 stars). 2 submissions from 2 submitters: Likely benign (2). Last evaluated 2025-03-31.

Conditions:
Glutamate formiminotransferase deficiency. Also called: Arakawa syndrome 1; Formiminoglutamic aciduria. Identifiers: Orphanet 51208, MedGen C0268609, MONDO:0009240, OMIM 229100.

Allele frequency attached by ClinVar (database versions not stated): TOPMed 0.00001; ExAC 0.00003.
gnomAD v4.1: 76 of 1,612,998 alleles (0.0047%); highest among the groups gnomAD compares: Middle Eastern, 0.033%; 1 homozygote.

Submissions (2):

Labcorp Genetics (formerly Invitae), Labcorp
Classification: Likely benign for Glutamate formiminotransferase deficiency. Last evaluated: 2025-03-31. Review status: criteria provided, single submitter. Criteria: Invitae Variant Classification Sherloc (09022015). Collection method: clinical testing. Allele origin: germline.

CeGaT Center for Human Genetics Tuebingen
Classification: Likely benign. Last evaluated: 2022-10-01. Review status: criteria provided, single submitter. Criteria: CeGaT Center For Human Genetics Tuebingen Variant Classification Criteria Version 2. Collection method: clinical testing. Allele origin: germline. Affected: yes. Observed: 1 variant allele.
Comment: FTCD: BP4, BP7

NM_206965.2(FTCD):c.597C>T (p.Ile199=)

Gene: FTCD (formimidoyltransferase cyclodeaminase; minus strand). Cytogenetic location: 21q22.3.
Variant type: single nucleotide variant.
Coding change: c.597C>T on transcript NM_206965.2 (MANE Select); coding-DNA position 597, C replaced by T.
Protein change: p.Ile199=; no amino-acid change (isoleucine 199 retained).
Molecular consequence: synonymous variant.
Genome position (GRCh38, 1-based): chr21:46,151,597, G>A on the plus strand (C>T on the coding strand, the complement: FTCD is on the minus strand). VCF-style: chr21-46151597-G-A. GRCh37 (hg19) VCF-style: chr21-47571511-G-A.
Other names: c.597C>T, p.Ile199= (NM_001320412.2, NM_006657.3).
Identifiers: ClinVar variation 2652808 (VCV002652808.27), dbSNP rs773170658, ClinGen allele CA10073818.